The following is an entry in ClinVar:

ClinVar aggregate classification (germline): Pathogenic (1 of 4 stars; one submission).

Conditions:
Mowat-Wilson syndrome (MOWS). Also called: Classic Mowat-Wilson Syndrome. Identifiers: Orphanet 2152, MedGen C1856113, MONDO:0009341, OMIM 235730.

Submission:

GeneDx
Classification: Pathogenic for Mowat-Wilson Syndrome: Autosomal dominant inheritence. Last evaluated: 2013-01-11. Review status: criteria provided, single submitter. Criteria: GeneDx Variant Classification (06012015). Collection method: clinical testing. Allele origin: germline. Affected: yes.
Comment: This mutation is denoted c.3195dupA at the cDNA level and p.His1066ThrfsX58 (H1066TfsX58) at the protein level; it is in exon 10 of the ZEB2 gene (NM_014795.2). The normal sequence with the base that is duplicated in braces is: TCTC{A}CACT. The c.3195dupA mutation in the ZEB2 gene causes a frameshift starting with codon Histidine 1066, changes this amino acid to a Threonine residue and creates a premature Stop codon at position 58 of the new reading frame, denoted p.His1066ThrfsX58. This mutation is predicted to cause loss of normal protein function through protein truncation. Although this mutation has not been previously reported to our knowledge, other frameshift mutations have been reported in this region of the protein. Therefore, the presence of c.3195dupA is consistent with the diagnosis of Mowat-Wilson syndrome, an autosomal dominant disorder. The variant is found in CHILD-EPI panel(s).

NM_014795.4(ZEB2):c.3195dup (p.His1066fs)

Gene: ZEB2 (zinc finger E-box binding homeobox 2; minus strand). Cytogenetic location: 2q22.3.
Variant type: Duplication.
Coding change: c.3195dup on transcript NM_014795.4 (MANE Select); coding-DNA position 3195, one base duplicated (A; older notation c.3195dupA).
Protein change: p.His1066fs; shifts the reading frame from histidine 1066.
Molecular consequence: frameshift variant.
Genome position (GRCh38, 1-based): chr2:144,389,901, T duplicated on the plus strand (A on the coding strand, the reverse complement: ZEB2 is on the minus strand). VCF-style (leftmost placement, unchanged base first): chr2-144389900-G-GT. GRCh37 (hg19) VCF-style: chr2-145147467-G-GT.
Other names: c.3123dup, p.His1042fs (NM_001171653.2); short protein forms H1042fs, H1066fs.
Identifiers: ClinVar variation 181756 (VCV000181756.1), dbSNP rs730881213, ClinGen allele CA297633.